The following is an entry in ClinVar:

NM_001139.3(ALOX12B):c.410T>A (p.Ile137Asn)

Gene: ALOX12B (arachidonate 12-lipoxygenase, 12R type; minus strand). Cytogenetic location: 17p13.1.
Variant type: single nucleotide variant.
Coding change: c.410T>A on transcript NM_001139.3 (MANE Select); coding-DNA position 410, T replaced by A.
Protein change: p.Ile137Asn; replaces isoleucine 137 with asparagine.
Molecular consequence: missense variant.
Genome position (GRCh38, 1-based): chr17:8,081,130, A>T on the plus strand (T>A on the coding strand, the complement: ALOX12B is on the minus strand). VCF-style: chr17-8081130-A-T. GRCh37 (hg19) VCF-style: chr17-7984448-A-T.
Other names: c.410T>A, p.Ile137Asn (LRG_1264t1); short protein forms I137N.
Identifiers: ClinVar variation 39542 (VCV000039542.4), dbSNP rs397514530, ClinGen allele CA261167.

ClinVar aggregate classification (germline): Uncertain significance. Review status: criteria provided, multiple submitters, no conflicts (2 of 4 stars). 3 submissions from 3 submitters: Uncertain significance (2). 1 of the submissions does not count toward it. Last evaluated 2023-11-01.

Conditions:
Autosomal recessive congenital ichthyosis 2 (ARCI2). Identifiers: Orphanet 281122, Orphanet 79394, MedGen C3888093, MONDO:0009439, OMIM 242100.

Allele frequency attached by ClinVar (database versions not stated): gnomAD exomes below 0.00001.
gnomAD v4.1: 1 of 1,613,382 alleles (0.000062%); highest among the groups gnomAD compares: Admixed American, 0.0017%; no homozygotes.

Submissions (3):

Women's Health and Genetics/Laboratory Corporation of America, LabCorp
Classification: Uncertain significance. Last evaluated: 2023-11-01. Review status: criteria provided, single submitter. Criteria: LabCorp Variant Classification Summary - May 2015. Collection method: clinical testing. Allele origin: germline.
Comment: Variant summary: ALOX12B c.410T>A (p.Ile137Asn) results in a non-conservative amino acid change located in the Lipoxygenase, C-terminal domain (IPR013819) of the encoded protein sequence. Three of four in-silico tools predict a damaging effect of the variant on protein function. The variant was absent in 250776 control chromosomes (gnomAD). The available data on variant occurrences in the general population are insufficient to allow any conclusion about variant significance. c.410T>A has been reported in the literature in one individual affected with autosomal recessive congenital ichthyoses (Harting_2008). These data do not allow any conclusion about variant significance. To our knowledge, no experimental evidence demonstrating an impact on protein function has been reported. The following publications have been ascertained in the context of this evaluation (PMID: 19131948, 18347291, 33435499, 36003334). One submitter has cited clinical-significance assessments for this variant to ClinVar after 2014 and has classified the variant as uncertain significance. Based on the evidence outlined above, the variant was classified as uncertain significance.

GeneDx
Classification: Uncertain significance. Last evaluated: 2017-01-26. Review status: criteria provided, single submitter. Criteria: GeneDx Variant Classification (06012015). Collection method: clinical testing. Allele origin: germline. Affected: yes.
Comment: The I137N variant in the ALOX12B gene has been reported previously in a patient with ichthyosiform erythroderma who was also heterozygous for a second variant (Harting et al., 2008). It was not observed in approximately 6,500 individuals of European and African American ancestry in the NHLBI Exome Sequencing Project, indicating it is not a common benign variant in these populations. The I137N variant is a non-conservative amino acid substitution, which is likely to impact secondary protein structure as these residues differ in polarity, charge, size and/or other properties. However, this substitution occurs at a position that is not conserved and in silico analysis is inconsistent in its predictions as to whether or not the variant is damaging to the protein structure/function. Therefore, we interpret I137N as a variant of uncertain significance.

OMIM
Classification: Pathogenic for ICHTHYOSIS, CONGENITAL, AUTOSOMAL RECESSIVE 2. Last evaluated: 2008-03-01. Review status: no assertion criteria provided. Collection method: literature only. Allele origin: germline. Not counted in ClinVar's aggregate classification.

Literature cited by the submitters: PubMed 33435499 (cited by Women's Health and Genetics/Laboratory Corporation of America, LabCorp); PubMed 18347291 (cited by Women's Health and Genetics/Laboratory Corporation of America, LabCorp and OMIM); PubMed 19131948 (cited by Women's Health and Genetics/Laboratory Corporation of America, LabCorp); PubMed 36003334 (cited by Women's Health and Genetics/Laboratory Corporation of America, LabCorp).